The following is an entry in ClinVar:

ClinVar aggregate classification (germline): Benign (1 of 4 stars; one submission).

Submission:

CeGaT Center for Human Genetics Tuebingen
Classification: Benign. Last evaluated: 2022-09-01. Review status: criteria provided, single submitter. Criteria: CeGaT Center For Human Genetics Tuebingen Variant Classification Criteria Version 2. Collection method: clinical testing. Allele origin: germline. Affected: yes. Observed: 1 variant allele.
Comment: SH3BP2: BS1, BS2

NM_001122681.2(SH3BP2):c.*6398dup

Gene: SH3BP2 (SH3 domain binding protein 2; plus strand). Cytogenetic location: 4p16.3.
Variant type: Duplication.
Coding change: c.*6398dup on transcript NM_001122681.2 (MANE Select); 6398 bases downstream of the stop codon, one base duplicated (A; older notation c.*6398dupA).
Molecular consequence: 3 prime UTR variant.
Genome position (GRCh38, 1-based): chr4:2,840,232, A duplicated; the last of 8 consecutive A bases (chr4:2,840,225-2,840,232); duplicating any one gives the same sequence. VCF-style (leftmost placement, unchanged base first): chr4-2840224-C-CA. GRCh37 (hg19) VCF-style: chr4-2841951-C-CA.
Other names: c.*6398dup (NM_001145855.2, NM_001145856.2, NM_003023.4).
Identifiers: ClinVar variation 2654590 (VCV002654590.24), dbSNP rs1371654371, ClinGen allele CA549291295.